The following is an entry in ClinVar:

NM_001161352.2(KCNMA1):c.2207A>G (p.Glu736Gly)

Gene: KCNMA1 (potassium calcium-activated channel subfamily M alpha 1; minus strand). Cytogenetic location: 10q22.3.
Variant type: single nucleotide variant.
Coding change: c.2207A>G on transcript NM_001161352.2 (MANE Select); coding-DNA position 2207, A replaced by G.
Protein change: p.Glu736Gly; replaces glutamic acid 736 with glycine.
Molecular consequence: missense variant. On other transcripts: intron variant (15).
Genome position (GRCh38, 1-based): chr10:77,001,466, T>C on the plus strand (A>G on the coding strand, the complement: KCNMA1 is on the minus strand). VCF-style: chr10-77001466-T-C. GRCh37 (hg19) VCF-style: chr10-78761224-T-C.
Other names: c.1942+10501A>G (NM_001271518.2); c.2092+10501A>G (NM_001322832.2, NM_001410940.1, NM_001437423.1 and 2 more transcripts); c.2101+6719A>G (NM_001322829.2, NM_001322836.2, NM_001271519.2); c.2104+10501A>G (NM_001014797.3, NM_001322835.2, NM_001322837.2); c.2113+6719A>G (NM_001322830.2); c.1552+10501A>G (NM_001322838.2); c.2224+10501A>G (NM_001437422.1); short protein forms E736G.
Identifiers: ClinVar variation 4985495 (VCV004985495.1).

ClinVar aggregate classification (germline): Uncertain significance (1 of 4 stars; one submission).

Conditions:
KCNMA1-related disorder. Also called: KCNMA1-related disorders; KCNMA1-related condition.

gnomAD v4.1: 1 of 1,551,850 alleles (0.000064%); highest among the groups gnomAD compares: East Asian, 0.0024%; no homozygotes.

Submission:

PreventionGenetics, part of Exact Sciences
Classification: Uncertain significance for KCNMA1-related condition. Last evaluated: 2025-04-19. Review status: criteria provided, single submitter. Criteria: ACMG Guidelines, 2015. Collection method: clinical testing. Allele origin: germline.
Comment: The KCNMA1 c.2207A>G variant is predicted to result in the amino acid substitution p.Glu736Gly. To our knowledge, this variant has not been reported in the literature. This variant is reported in 0.0092% of alleles in individuals of East Asian descent in gnomAD. At this time, the clinical significance of this variant is uncertain due to the absence of conclusive functional and genetic evidence.